The following is an entry in ClinVar:

ClinVar aggregate classification (germline): Benign (1 of 4 stars; one submission).

Allele frequency attached by ClinVar (database versions not stated): gnomAD 0.16436 and 0.16808; TOPMed 0.18098; 1000 Genomes Project 0.19908; 1000 Genomes Project 30x 0.20768.
gnomAD v4.1: 24,910 of 152,042 alleles (16%); highest among the groups gnomAD compares: African/African-American, 35%; 3,158 homozygotes.

Submission:

GeneDx
Classification: Benign. Last evaluated: 2018-06-19. Review status: criteria provided, single submitter. Criteria: GeneDx Variant Classification (06012015). Collection method: clinical testing. Allele origin: germline. Affected: yes.
Comment: This variant is considered likely benign or benign based on one or more of the following criteria: it is a conservative change, it occurs at a poorly conserved position in the protein, it is predicted to be benign by multiple in silico algorithms, and/or has population frequency not consistent with disease.

NM_012434.5(SLC17A5):c.700+172G>A

Gene: SLC17A5 (solute carrier family 17 member 5; minus strand). Cytogenetic location: 6q13.
Variant type: single nucleotide variant.
Coding change: c.700+172G>A on transcript NM_012434.5 (MANE Select); 172 bases into the intron after coding-DNA position 700, G replaced by A.
Molecular consequence: intron variant.
Genome position (GRCh38, 1-based): chr6:73,636,449, C>T on the plus strand (G>A on the coding strand, the complement: SLC17A5 is on the minus strand). VCF-style: chr6-73636449-C-T. GRCh37 (hg19) VCF-style: chr6-74346172-C-T.
Identifiers: ClinVar variation 672061 (VCV000672061.1), dbSNP rs527606, ClinGen allele CA140972641.
Genomic context (GRCh38, chr6:73,636,449, plus strand): 5'-ATTTAAGTACAGGATCAACAGTCATTTCTACTGAGAAATATTCCAAAACTAACATCAGCT[C>T]GTAACTCAAATAGGTCAAGTAAATCATACCAACTTGAAAAACAGGTTATCAGGAAGTGTT-3'